The following is an entry in ClinVar:

NM_173354.5(SIK1):c.536C>G (p.Pro179Arg)

Gene: SIK1 (salt inducible kinase 1; minus strand). Cytogenetic location: 21q22.3.
Variant type: single nucleotide variant.
Coding change: c.536C>G on transcript NM_173354.5 (MANE Select); coding-DNA position 536, C replaced by G.
Protein change: p.Pro179Arg; replaces proline 179 with arginine.
Molecular consequence: missense variant.
Genome position (GRCh38, 1-based): chr21:43,421,331, G>C on the plus strand (C>G on the coding strand, the complement: SIK1 is on the minus strand). VCF-style: chr21-43421331-G-C. GRCh37 (hg19) VCF-style: chr21-44841211-G-C.
Other names: short protein forms P179R.
Identifiers: ClinVar variation 1302402 (VCV001302402.4), dbSNP rs2146473786, ClinGen allele CA410609963.

ClinVar aggregate classification (germline): Uncertain significance. Review status: criteria provided, multiple submitters, no conflicts (2 of 4 stars). 2 submissions from 2 submitters: Uncertain significance (2). Last evaluated 2021-01-08.

Conditions:
Inborn genetic diseases. Identifiers: MedGen C0950123, MeSH D030342.

Submissions (2):

GeneDx
Classification: Uncertain significance. Last evaluated: 2021-01-08. Review status: criteria provided, single submitter. Criteria: GeneDx Variant Classification Process June 2021. Collection method: clinical testing. Allele origin: germline. Affected: yes.
Comment: Not observed in large population cohorts (Lek et al., 2016); In silico analysis supports that this missense variant has a deleterious effect on protein structure/function; Has not been previously published as pathogenic or benign to our knowledge

Ambry Genetics
Classification: Uncertain significance for Inborn genetic diseases. Last evaluated: 2017-06-21. Review status: criteria provided, single submitter. Criteria: Ambry Variant Classification Scheme 2023. Collection method: clinical testing. Allele origin: germline.
Comment: The p.P179R variant (also known as c.536C>G), located in coding exon 5 of the SIK1 gene, results from a C to G substitution at nucleotide position 536. The proline at codon 179 is replaced by arginine, an amino acid with dissimilar properties. This amino acid position is not well conserved in available vertebrate species. In addition, the in silico prediction for this alteration is inconclusive. Since supporting evidence is limited at this time, the clinical significance of this alteration remains unclear.